The following is an entry in ClinVar:

NM_014991.6(WDFY3):c.7949_7950del (p.Lys2650fs)

Gene: WDFY3 (WD repeat and FYVE domain containing 3; minus strand). Cytogenetic location: 4q21.23.
Variant type: Deletion.
Coding change: c.7949_7950del on transcript NM_014991.6 (MANE Select); coding-DNA positions 7949 to 7950, 2 bases deleted (AA; older notation c.7949_7950delAA).
Protein change: p.Lys2650fs; shifts the reading frame from lysine 2650.
Molecular consequence: frameshift variant.
Genome position (GRCh38, 1-based): chr4:84,715,309-84,715,310, TT deleted on the plus strand (AA on the coding strand, the reverse complement: WDFY3 is on the minus strand); deleting any 2 consecutive bases within chr4:84,715,309-84,715,311 gives the same sequence; the c. name uses the placement nearest the transcript's 3' end. VCF-style (leftmost placement, unchanged base first): chr4-84715308-CTT-C. GRCh37 (hg19) VCF-style: chr4-85636461-CTT-C.
Other names: short protein forms K2650fs.
Identifiers: ClinVar variation 3469097 (VCV003469097.1).

ClinVar aggregate classification (germline): Pathogenic (1 of 4 stars; one submission).

Conditions:
Inborn genetic diseases. Identifiers: MedGen C0950123, MeSH D030342.

Submission:

Ambry Genetics
Classification: Pathogenic for Inborn genetic diseases. Last evaluated: 2024-11-05. Review status: criteria provided, single submitter. Criteria: Ambry Variant Classification Scheme 2023. Collection method: clinical testing. Allele origin: germline.
Comment: The c.7949_7950delAA (p.K2650Sfs*36) alteration, located in exon 50 (coding exon 47) of the WDFY3 gene, consists of a deletion of 2 nucleotides from position 7949 to 7950, causing a translational frameshift with a predicted alternate stop codon after 36 amino acids. This alteration is expected to result in loss of function by premature protein truncation or nonsense-mediated mRNA decay. This variant was not reported in population-based cohorts in the Genome Aggregation Database (gnomAD). Based on the available evidence, this alteration is classified as pathogenic.